The following is an entry in ClinVar:

NM_003661.4(APOL1):c.103C>A (p.Gln35Lys)

Gene: APOL1 (apolipoprotein L1; plus strand). Cytogenetic location: 22q12.3.
Variant type: single nucleotide variant.
Coding change: c.103C>A on transcript NM_003661.4 (MANE Select); coding-DNA position 103, C replaced by A.
Protein change: p.Gln35Lys; replaces glutamine 35 with lysine.
Molecular consequence: missense variant.
Genome position (GRCh38, 1-based): chr22:36,257,323, C>A. VCF-style: chr22-36257323-C-A. GRCh37 (hg19) VCF-style: chr22-36653369-C-A.
Other names: c.103C>A, p.Gln35Lys (NM_001136540.2); c.49C>A, p.Gln17Lys (NM_001136541.2, NM_001362927.2); c.151C>A, p.Gln51Lys (NM_145343.3); short protein forms Q17K, Q35K, Q51K.
Identifiers: ClinVar variation 1373907 (VCV001373907.6), dbSNP rs746312873, ClinGen allele CA411399869.
Genomic context (GRCh38, chr22:36,257,323, plus strand): 5'-CCTCTGTCCACTGGTGGCTCACATTTGATCCCACAATTTGTTTTCTCCTCCTCAAGGGTG[C>A]AACAAAACGTTCCAAGTGGGACAGATACTGGAGATCCTCAAAGTAAGCCCCTCGGTGACT-3'
Protein context (NP_003652.2, residues 25-45): VRAEEAGARV[Gln35Lys]QNVPSGTDTG

ClinVar aggregate classification (germline): Uncertain significance (1 of 4 stars; one submission).

Allele frequency attached by ClinVar (database versions not stated): gnomAD 0.00001.
gnomAD v4.1: 14 of 1,613,976 alleles (0.00087%); highest among the groups gnomAD compares: Non-Finnish European, 0.0012%; no homozygotes.

Submission:

Labcorp Genetics (formerly Invitae), Labcorp
Classification: Uncertain significance. Last evaluated: 2022-07-25. Review status: criteria provided, single submitter. Criteria: Invitae Variant Classification Sherloc (09022015). Collection method: clinical testing. Allele origin: germline.
Comment: In summary, the available evidence is currently insufficient to determine the role of this variant in disease. Therefore, it has been classified as a Variant of Uncertain Significance. Algorithms developed to predict the effect of missense changes on protein structure and function output the following: SIFT: "Tolerated"; PolyPhen-2: "Benign"; Align-GVGD: "Class C0". The lysine amino acid residue is found in multiple mammalian species, which suggests that this missense change does not adversely affect protein function. ClinVar contains an entry for this variant (Variation ID: 1373907). This variant has not been reported in the literature in individuals affected with APOL1-related conditions. This variant is not present in population databases (gnomAD no frequency). This sequence change replaces glutamine, which is neutral and polar, with lysine, which is basic and polar, at codon 35 of the APOL1 protein (p.Gln35Lys).